The following is an entry in ClinVar:

NM_016363.5(GP6):c.847C>T (p.Leu283=)

Gene: GP6 (glycoprotein VI platelet; minus strand). Cytogenetic location: 19q13.42.
Variant type: single nucleotide variant.
Coding change: c.847C>T on transcript NM_016363.5 (MANE Select); coding-DNA position 847, C replaced by T.
Protein change: p.Leu283=; no amino-acid change (leucine 283 retained).
Molecular consequence: synonymous variant. On other transcripts: missense variant (1).
Genome position (GRCh38, 1-based): chr19:55,015,094, G>A on the plus strand (C>T on the coding strand, the complement: GP6 is on the minus strand). VCF-style: chr19-55015094-G-A. GRCh37 (hg19) VCF-style: chr19-55526462-G-A.
Other names: c.851C>T, p.Pro284Leu (NM_001083899.2); c.793C>T, p.Leu265= (NM_001256017.2); short protein forms P284L.
Identifiers: ClinVar variation 4689705 (VCV004689705.1).

ClinVar aggregate classification (germline): Uncertain significance (1 of 4 stars; one submission).

gnomAD v4.1: 1 of 1,595,258 alleles (0.000063%); highest among the groups gnomAD compares: Non-Finnish European, 0.000085%; no homozygotes.

Submission:

Women's Health and Genetics/Laboratory Corporation of America, LabCorp
Classification: Uncertain significance. Last evaluated: 2026-01-26. Review status: criteria provided, single submitter. Criteria: LabCorp Variant Classification Summary - May 2015. Collection method: clinical testing. Allele origin: germline.
Comment: Variant summary: GP6 c.851C>T (p.Pro284Leu) results in a non-conservative amino acid change in the encoded protein sequence. Algorithms developed to predict the effect of missense changes on protein structure and function are either unavailable or do not agree on the potential impact of this missense change. The variant allele was found at a frequency of 4.7e-06 in 212680 control chromosomes. The available data on variant occurrences in the general population are insufficient to allow any conclusion about variant significance. To our knowledge, no occurrence of c.851C>T in individuals affected with GP6-related conditions and no experimental evidence demonstrating its impact on protein function have been reported. No submitters have cited clinical-significance assessments for this variant to ClinVar. Based on the evidence outlined above, the variant was classified as uncertain significance.